The following is an entry in ClinVar:

NM_003014.4(SFRP4):c.530G>A (p.Arg177Gln)

Gene: SFRP4 (secreted frizzled related protein 4; minus strand). Cytogenetic location: 7p14.1.
Variant type: single nucleotide variant.
Coding change: c.530G>A on transcript NM_003014.4 (MANE Select); coding-DNA position 530, G replaced by A.
Protein change: p.Arg177Gln; replaces arginine 177 with glutamine.
Molecular consequence: missense variant.
Genome position (GRCh38, 1-based): chr7:37,914,275, C>T on the plus strand (G>A on the coding strand, the complement: SFRP4 is on the minus strand). VCF-style: chr7-37914275-C-T. GRCh37 (hg19) VCF-style: chr7-37953877-C-T.
Other names: short protein forms R177Q.
Identifiers: ClinVar variation 1375460 (VCV001375460.4), dbSNP rs750181342, ClinGen allele CA4222803.

ClinVar aggregate classification (germline): Uncertain significance (1 of 4 stars; one submission).

Allele frequency attached by ClinVar (database versions not stated): gnomAD 0.00005; gnomAD exomes 0.00005; TOPMed 0.00006; ExAC 0.00008.

Submission:

Labcorp Genetics (formerly Invitae), Labcorp
Classification: Uncertain significance. Last evaluated: 2024-07-29. Review status: criteria provided, single submitter. Criteria: Invitae Variant Classification Sherloc (09022015). Collection method: clinical testing. Allele origin: germline.
Comment: This sequence change replaces arginine, which is basic and polar, with glutamine, which is neutral and polar, at codon 177 of the SFRP4 protein (p.Arg177Gln). This variant is present in population databases (rs750181342, gnomAD 0.02%). This variant has not been reported in the literature in individuals affected with SFRP4-related conditions. ClinVar contains an entry for this variant (Variation ID: 1375460). An algorithm developed to predict the effect of missense changes on protein structure and function (PolyPhen-2) suggests that this variant¬†is likely to be tolerated. In summary, the available evidence is currently insufficient to determine the role of this variant in disease. Therefore, it has been classified as a Variant of Uncertain Significance.